The following is an entry in ClinVar:

ClinVar aggregate classification (germline): Conflicting classifications of pathogenicity. Review status: criteria provided, conflicting classifications (1 of 4 stars). 3 submissions from 3 submitters: Uncertain significance (1); Likely benign (2). Last evaluated 2025-10-08.

Conditions:
Hereditary cancer-predisposing syndrome. Also called: Neoplastic Syndromes, Hereditary; Hereditary neoplastic syndrome; Hereditary Cancer Syndrome; Tumor predisposition. Identifiers: Orphanet 140162, MedGen C0027672, MeSH D009386, MONDO:0015356.
Breast-ovarian cancer, familial, susceptibility to, 1 (BROVCA1). Also called: BRCA1 Hereditary Breast and Ovarian Cancer; OVARIAN CANCER, SUSCEPTIBILITY TO. Identifiers: Orphanet 145, MedGen C2676676, MONDO:0011450, OMIM 604370. Disease mechanism: loss of function.
Hereditary breast ovarian cancer syndrome. Also called: Hereditary breast and ovarian cancer syndrome; Breast and ovarian cancer; Hereditary breast and ovarian cancer syndrome (HBOC); Hereditary breast and/or ovarian cancer syndrome; BRCA1- and BRCA2-Associated Hereditary Breast and Ovarian Cancer; Hereditary breast and ovarian cancer. Identifiers: Orphanet 145, MedGen C0677776, MeSH D061325, MONDO:0003582. Disease mechanism: loss of function.

Allele frequency attached by ClinVar (database versions not stated): gnomAD exomes below 0.00001.
gnomAD v4.1: 1 of 1,614,188 alleles (0.000062%); highest among the groups gnomAD compares: Non-Finnish European, 0.000085%; no homozygotes.

Submissions (4):

Myriad Genetics, Inc.
Classification: Likely benign for Breast-ovarian cancer, familial, susceptibility to, 1. Last evaluated: 2025-10-08. Review status: criteria provided, single submitter. Criteria: Myriad Autosomal Dominant, Autosomal Recessive and X-Linked Classification Criteria (2023). Collection method: clinical testing. Allele origin: unknown.
Comment: This variant is considered likely benign. This variant is strongly associated with less severe personal and family histories of cancer, typical for individuals without pathogenic variants in this gene [PMID: 25085752].

Labcorp Genetics (formerly Invitae), Labcorp
Classification: Uncertain significance for Hereditary breast ovarian cancer syndrome. Last evaluated: 2024-04-25. Review status: criteria provided, single submitter. Criteria: Invitae Variant Classification Sherloc (09022015). Collection method: clinical testing. Allele origin: germline.
Comment: This sequence change replaces cysteine, which is neutral and slightly polar, with glycine, which is neutral and non-polar, at codon 1828 of the BRCA1 protein (p.Cys1828Gly). This variant is not present in population databases (gnomAD no frequency). This variant has not been reported in the literature in individuals affected with BRCA1-related conditions. ClinVar contains an entry for this variant (Variation ID: 409329). Advanced modeling performed at Invitae incorporating data from internal and/or published experimental studies (PMID: 30209399) indicates that this missense variant is not expected to disrupt BRCA1 function with a negative predictive value of 95%. In summary, the available evidence is currently insufficient to determine the role of this variant in disease. Therefore, it has been classified as a Variant of Uncertain Significance.

Ambry Genetics
Classification: Likely benign for Hereditary cancer-predisposing syndrome. Last evaluated: 2021-12-28. Review status: criteria provided, single submitter. Criteria: Ambry Variant Classification Scheme 2023. Collection method: clinical testing. Allele origin: germline.

Brotman Baty Institute, University of Washington
No classification provided (evidence only). Condition: Breast-ovarian cancer, familial 1. Review status: no classification provided. Collection method: in vitro. Allele origin: not applicable. Functional consequence: functionally_normal. Not counted in ClinVar's aggregate classification.
ClinVar note: "not provided" was previously submitted as the classification for the variant. However, the classification appeared to be based only on an observation of functional data so it was converted to no classification on 2025-07-30.

Literature cited by the submitters: PubMed 25085752 (cited by Myriad Genetics, Inc.); PubMed 30209399 (cited by Labcorp Genetics (formerly Invitae), Labcorp).

NM_007294.4(BRCA1):c.5482T>G (p.Cys1828Gly)

Gene: BRCA1 (BRCA1 DNA repair associated; minus strand). Cytogenetic location: 17q21.31.
Variant type: single nucleotide variant.
Coding change: c.5482T>G on transcript NM_007294.4 (MANE Select); coding-DNA position 5482, T replaced by G.
Protein change: p.Cys1828Gly; replaces cysteine 1828 with glycine.
Molecular consequence: missense variant. On other transcripts: non-coding transcript variant (1).
Genome position (GRCh38, 1-based): chr17:43,045,788, A>C on the plus strand (T>G on the coding strand, the complement: BRCA1 is on the minus strand). VCF-style: chr17-43045788-A-C. GRCh37 (hg19) VCF-style: chr17-41197805-A-C.
Other names: c.5353T>G, p.Cys1785Gly (NM_001407686.1, NM_001407687.1, NM_001407688.1 and 6 more transcripts); c.5341T>G, p.Cys1781Gly (NM_001407726.1, NM_001407727.1, NM_001407728.1 and 12 more transcripts); c.5338T>G, p.Cys1780Gly (NM_001407732.1, NM_001407733.1, NM_001407734.1 and 18 more transcripts); c.5335T>G, p.Cys1779Gly (NM_001407838.1, NM_001407850.1, NM_001407851.1 and 12 more transcripts); c.5408T>G, p.Val1803Gly (NM_001407854.1); c.5405T>G, p.Val1802Gly (NM_001407858.1, NM_001407859.1, NM_001407860.1); c.5402T>G, p.Val1801Gly (NM_001407861.1); c.5272T>G, p.Cys1758Gly (NM_001407887.1, NM_001407889.1, NM_001407879.1 and 5 more transcripts); and 83 more; short protein forms C1828G, C724G, C1781G, V699G, C1849G, C1659G, C1715G, C1717G.
Identifiers: ClinVar variation 409329 (VCV000409329.13), dbSNP rs1060502342, ClinGen allele CA10590349.
Genomic context (GRCh38, chr17:43,045,788, plus strand): 5'-GGCACTGGTAGAGTGCTACACTGTCCAACACCCACTCTCGGGTCACCACAGGTGCCTCAC[A>C]CATCTGCCCAATTGCTGGAGACAGAGAACACAAGCAGAGATTAGTGTCAATTCATTCTCC-3'
Protein context (NP_009225.1, residues 1818-1838): DNGFHAIGQM[Cys1828Gly]EAPVVTREWV